The following is an entry in ClinVar:

NM_000531.6(OTC):c.761C>T (p.Ala254Val)

Gene: OTC (ornithine transcarbamylase; plus strand). Cytogenetic location: Xp11.4.
Variant type: single nucleotide variant.
Coding change: c.761C>T on transcript NM_000531.6 (MANE Select); coding-DNA position 761, C replaced by T.
Protein change: p.Ala254Val; replaces alanine 254 with valine.
Molecular consequence: missense variant.
Genome position (GRCh38, 1-based): chrX:38,408,919, C>T. VCF-style: chrX-38408919-C-T. GRCh37 (hg19) VCF-style: chrX-38268172-C-T.
Other names: short protein forms A254V.
Identifiers: ClinVar variation 1475491 (VCV001475491.7), dbSNP rs781179862, ClinGen allele CA10385938.

ClinVar aggregate classification (germline): Uncertain significance. Review status: criteria provided, multiple submitters, no conflicts (2 of 4 stars). 2 submissions from 2 submitters: Uncertain significance (2). Last evaluated 2024-11-26.

Conditions:
Ornithine carbamoyltransferase deficiency (OTCD). Also called: ORNITHINE TRANSCARBAMYLASE DEFICIENCY; Ornithine Carbamoyltransferase Deficiency Disease; ORNITHINE TRANSCARBAMYLASE DEFICIENCY, HYPERAMMONEMIA DUE TO; OTC DEFICIENCY. Identifiers: Orphanet 664, MedGen C0268542, MONDO:0010703, OMIM 311250.

Allele frequency attached by ClinVar (database versions not stated): ExAC 0.00001; gnomAD exomes 0.00001 and 0.00002; TOPMed 0.00001; gnomAD 0.00002.
gnomAD v4.1: 8 of 1,207,884 alleles (0.00066%); highest among the groups gnomAD compares: African/African-American, 0.0053%; no homozygotes.

Submissions (2):

Labcorp Genetics (formerly Invitae), Labcorp
Classification: Uncertain significance for Ornithine carbamoyltransferase deficiency. Last evaluated: 2024-11-26. Review status: criteria provided, single submitter. Criteria: Invitae Variant Classification Sherloc (09022015). Collection method: clinical testing. Allele origin: germline.
Comment: This sequence change replaces alanine, which is neutral and non-polar, with valine, which is neutral and non-polar, at codon 254 of the OTC protein (p.Ala254Val). This variant is present in population databases (rs781179862, gnomAD 0.008%), including at least one homozygous and/or hemizygous individual. This variant has not been reported in the literature in individuals affected with OTC-related conditions. ClinVar contains an entry for this variant (Variation ID: 1475491). Invitae Evidence Modeling of protein sequence and biophysical properties (such as structural, functional, and spatial information, amino acid conservation, physicochemical variation, residue mobility, and thermodynamic stability) has been performed for this missense variant. However, the output from this modeling did not meet the statistical confidence thresholds required to predict the impact of this variant on OTC protein function. In summary, the available evidence is currently insufficient to determine the role of this variant in disease. Therefore, it has been classified as a Variant of Uncertain Significance.

All of Us Research Program, National Institutes of Health
Classification: Uncertain significance for Ornithine carbamoyltransferase deficiency. Last evaluated: 2024-07-29. Review status: criteria provided, single submitter. Criteria: ACMG Guidelines, 2015. Collection method: clinical testing. Allele origin: germline. Inheritance: X-linked inheritance. Observed: 2 variant alleles, 2 heterozygotes.
Comment: This missense variant replaces alanine with valine at codon 254 of the OTC protein. Computational prediction is inconclusive regarding the impact of this variant on protein structure and function (internally defined REVEL score threshold 0.5 < inconclusive < 0.7, PMID: 27666373). To our knowledge, functional studies have not been reported for this variant. This variant has not been reported in individuals affected with ornithine carbamoyltransferase deficiency in the literature. This variant has been identified in 3/183223 chromosomes in the general population by the Genome Aggregation Database (gnomAD). The available evidence is insufficient to determine the role of this variant in disease conclusively. Therefore, this variant is classified as a Variant of Uncertain Significance.

This study involves interpretation of variants in research participants for the purpose of population health screening. Participant phenotype was not available at the time of variant classification. Additional details can be found in publication PMID: 35346344, PMCID: PMC8962531